The following is an entry in ClinVar:

ClinVar aggregate classification (germline): Uncertain significance (1 of 4 stars; one submission).

Allele frequency attached by ClinVar (database versions not stated): TOPMed below 0.00001.
gnomAD v4.1: 6 of 1,609,076 alleles (0.00037%); highest among the groups gnomAD compares: Non-Finnish European, 0.00051%; no homozygotes.

Submission:

Labcorp Genetics (formerly Invitae), Labcorp
Classification: Uncertain significance. Last evaluated: 2021-12-29. Review status: criteria provided, single submitter. Criteria: Invitae Variant Classification Sherloc (09022015). Collection method: clinical testing. Allele origin: germline.
Comment: This sequence change replaces arginine, which is basic and polar, with proline, which is neutral and non-polar, at codon 2902 of the TRRAP protein (p.Arg2902Pro). This variant is present in population databases (no rsID available, gnomAD 0.001%). This variant has not been reported in the literature in individuals affected with TRRAP-related conditions. Algorithms developed to predict the effect of missense changes on protein structure and function are either unavailable or do not agree on the potential impact of this missense change (SIFT: "Tolerated"; PolyPhen-2: "Probably Damaging"; Align-GVGD: "Class C0"). In summary, the available evidence is currently insufficient to determine the role of this variant in disease. Therefore, it has been classified as a Variant of Uncertain Significance.

NM_001375524.1(TRRAP):c.8780G>C (p.Arg2927Pro)

Gene: TRRAP (transformation/transcription domain associated protein; plus strand). Cytogenetic location: 7q22.1.
Variant type: single nucleotide variant.
Coding change: c.8780G>C on transcript NM_001375524.1 (MANE Select); coding-DNA position 8780, G replaced by C.
Protein change: p.Arg2927Pro; replaces arginine 2927 with proline.
Molecular consequence: missense variant.
Genome position (GRCh38, 1-based): chr7:98,981,914, G>C. VCF-style: chr7-98981914-G-C. GRCh37 (hg19) VCF-style: chr7-98579537-G-C.
Other names: c.8759G>C, p.Arg2920Pro (NM_001244580.2); c.8705G>C, p.Arg2902Pro (NM_003496.4); short protein forms R2902P, R2927P, R2920P.
Identifiers: ClinVar variation 1935279 (VCV001935279.5), dbSNP rs878932537, ClinGen allele CA163078360.